The following is an entry in ClinVar:

ClinVar aggregate classification (germline): Likely pathogenic. Review status: criteria provided, multiple submitters, no conflicts (2 of 4 stars). 2 submissions from 2 submitters: Likely pathogenic (2). Last evaluated 2023-09-29.

Conditions:
Niemann-Pick disease, type A. Also called: SPHINGOMYELIN LIPIDOSIS; SPHINGOMYELINASE DEFICIENCY; Infantile Neurovisceral ASMD (Niemann-Pick Disease Type A; NPD-A). Identifiers: Orphanet 77292, MedGen C0268242, MONDO:0009756, OMIM 257200. Disease mechanism: loss of function.
Niemann-Pick disease, type B. Also called: Chronic Visceral ASMD (Niemann-Pick Disease Type B; NPD-B). Identifiers: Orphanet 77293, MedGen C0268243, MONDO:0011871, OMIM 607616. Disease mechanism: loss of function.

gnomAD v4.1: 4 of 1,610,516 alleles (0.00025%); highest among the groups gnomAD compares: Non-Finnish European, 0.00034%; no homozygotes.

Submissions (2):

Labcorp Genetics (formerly Invitae), Labcorp
Classification: Likely pathogenic for Niemann-Pick disease, type B; Niemann-Pick disease, type A. Last evaluated: 2023-09-29. Review status: criteria provided, single submitter. Criteria: Invitae Variant Classification Sherloc (09022015). Collection method: clinical testing. Allele origin: germline.
Comment: In summary, the currently available evidence indicates that the variant is pathogenic, but additional data are needed to prove that conclusively. Therefore, this variant has been classified as Likely Pathogenic. Algorithms developed to predict the effect of sequence changes on RNA splicing suggest that this variant may disrupt the consensus splice site. ClinVar contains an entry for this variant (Variation ID: 1325108). This variant has not been reported in the literature in individuals affected with SMPD1-related conditions. This variant is not present in population databases (gnomAD no frequency). This sequence change affects an acceptor splice site in intron 3 of the SMPD1 gene. It is expected to disrupt RNA splicing. Variants that disrupt the donor or acceptor splice site typically lead to a loss of protein function (PMID: 16199547), and loss-of-function variants in SMPD1 are known to be pathogenic (PMID: 12369017, 15221801).

Baylor Genetics
Classification: Likely pathogenic for Niemann-Pick disease, type A. Last evaluated: 2022-11-19. Review status: criteria provided, single submitter. Criteria: ACMG Guidelines, 2015. Collection method: clinical testing. Allele origin: unknown.

Literature cited by the submitters: PubMed 16199547 (cited by Labcorp Genetics (formerly Invitae), Labcorp); PubMed 12369017 (cited by Labcorp Genetics (formerly Invitae), Labcorp); PubMed 15221801 (cited by Labcorp Genetics (formerly Invitae), Labcorp).

NM_000543.5(SMPD1):c.1264-2A>G

Gene: SMPD1 (sphingomyelin phosphodiesterase 1; plus strand). Cytogenetic location: 11p15.4.
Variant type: single nucleotide variant.
Coding change: c.1264-2A>G on transcript NM_000543.5 (MANE Select); the canonical splice acceptor site of the intron before coding-DNA position 1264, A replaced by G.
Molecular consequence: splice acceptor variant.
Genome position (GRCh38, 1-based): chr11:6,393,615, A>G. VCF-style: chr11-6393615-A-G. GRCh37 (hg19) VCF-style: chr11-6414845-A-G.
Other names: c.343-2A>G (NM_001318088.2); c.1132-2A>G (NM_001365135.2); c.1264-2A>G (NM_001318087.2); c.1261-2A>G (NM_001007593.3).
Identifiers: ClinVar variation 1325108 (VCV001325108.10), dbSNP rs774309925, ClinGen allele CA379374151.
Genomic context (GRCh38, chr11:6,393,615, plus strand): 5'-TCTAGCCAGGGCTGCCTGGACCCCTGGATGCCCTGATTACCATCCTTAATTCTCCCTACT[A>G]GGTGCATATAATTGGCCACATTCCCCCAGGGCACTGTCTGAAGAGCTGGAGCTGGAATTA-3'